The following is an entry in ClinVar:

ClinVar aggregate classification (germline): Uncertain significance (1 of 4 stars; one submission).

Conditions:
Inborn genetic diseases. Identifiers: MedGen C0950123, MeSH D030342.

Submission:

Ambry Genetics
Classification: Uncertain significance for Inborn genetic diseases. Last evaluated: 2025-09-11. Review status: criteria provided, single submitter. Criteria: Ambry Variant Classification Scheme 2023. Collection method: clinical testing. Allele origin: germline.
Comment: The p.Q524H variant (also known as c.1572G>T), located in coding exon 7 of the SH2B3 gene, results from a G to T substitution at nucleotide position 1572. The glutamine at codon 524 is replaced by histidine, an amino acid with highly similar properties. This amino acid position is conserved. In addition, this alteration is predicted to be tolerated by in silico analysis. Based on the available evidence, the clinical significance of this variant remains unclear.

NM_005475.3(SH2B3):c.1572G>T (p.Gln524His)

Gene: SH2B3 (SH2B adaptor protein 3; plus strand). Cytogenetic location: 12q24.12.
Variant type: single nucleotide variant.
Coding change: c.1572G>T on transcript NM_005475.3 (MANE Select); coding-DNA position 1572, G replaced by T.
Protein change: p.Gln524His; replaces glutamine 524 with histidine.
Molecular consequence: missense variant.
Genome position (GRCh38, 1-based): chr12:111,448,146, G>T. VCF-style: chr12-111448146-G-T. GRCh37 (hg19) VCF-style: chr12-111885950-G-T.
Other names: c.966G>T, p.Gln322His (NM_001291424.1); short protein forms Q322H, Q524H.
Identifiers: ClinVar variation 4164016 (VCV004164016.1).